The following is an entry in ClinVar:

NM_001378120.1(MBD5):c.845G>A (p.Gly282Asp)

Gene: MBD5 (methyl-CpG binding domain protein 5; plus strand). Cytogenetic location: 2q23.1.
Variant type: single nucleotide variant.
Coding change: c.845G>A on transcript NM_001378120.1 (MANE Select); coding-DNA position 845, G replaced by A.
Protein change: p.Gly282Asp; replaces glycine 282 with aspartic acid.
Molecular consequence: missense variant.
Genome position (GRCh38, 1-based): chr2:148,468,788, G>A. VCF-style: chr2-148468788-G-A. GRCh37 (hg19) VCF-style: chr2-149226357-G-A.
Other names: c.845G>A, p.Gly282Asp (NM_018328.5); short protein forms G282D.
Identifiers: ClinVar variation 936212 (VCV000936212.10), dbSNP rs759201974, ClinGen allele CA1899932.

ClinVar aggregate classification (germline): Uncertain significance (1 of 4 stars; one submission).

Conditions:
Intellectual developmental disorder, autosomal dominant 1. Also called: Intellectual disability, autosomal dominant 1; MBD5 Haploinsufficiency. Identifiers: Orphanet 228402, MedGen C1969562, MONDO:0007974, OMIM 156200.

Allele frequency attached by ClinVar (database versions not stated): gnomAD exomes below 0.00001 and 0.00003; ExAC 0.00001.
gnomAD v4.1: 20 of 1,613,692 alleles (0.0012%); highest among the groups gnomAD compares: East Asian, 0.042%; no homozygotes.

Submission:

Labcorp Genetics (formerly Invitae), Labcorp
Classification: Uncertain significance for Intellectual developmental disorder, autosomal dominant 1. Last evaluated: 2019-09-20. Review status: criteria provided, single submitter. Criteria: Invitae Variant Classification Sherloc (09022015). Collection method: clinical testing. Allele origin: germline.
Comment: In summary, the available evidence is currently insufficient to determine the role of this variant in disease. Therefore, it has been classified as a Variant of Uncertain Significance. Algorithms developed to predict the effect of missense changes on protein structure and function are either unavailable or do not agree on the potential impact of this missense change (SIFT: "Deleterious"; PolyPhen-2: "Probably Damaging"; Align-GVGD: "Class C0"). This variant has been observed in an individual affected with autism spectrum disorder (PMID: 28008202). This variant is present in population databases (rs759201974, ExAC 0.002%). This sequence change replaces glycine with aspartic acid at codon 282 of the MBD5 protein (p.Gly282Asp). The glycine residue is highly conserved and there is a moderate physicochemical difference between glycine and aspartic acid.

Literature cited by the submitters: PubMed 28008202.